The following is an entry in ClinVar:

ClinVar aggregate classification (germline): Uncertain significance (1 of 4 stars; one submission).

Conditions:
Acyl-CoA oxidase deficiency. Also called: STRAIGHT-CHAIN ACYL-CoA OXIDASE DEFICIENCY; Peroxisomal acyl-CoA oxidase deficiency; Pseudoneonatal adrenoleukodystrophy. Identifiers: Orphanet 2971, MedGen C1849678, MONDO:0009919, OMIM 264470. Disease mechanism: loss of function.

Submission:

Labcorp Genetics (formerly Invitae), Labcorp
Classification: Uncertain significance for Acyl-CoA oxidase deficiency. Last evaluated: 2021-10-12. Review status: criteria provided, single submitter. Criteria: Invitae Variant Classification Sherloc (09022015). Collection method: clinical testing. Allele origin: germline.
Comment: This sequence change replaces arginine with tryptophan at codon 556 of the ACOX1 protein (p.Arg556Trp). The arginine residue is weakly conserved and there is a moderate physicochemical difference between arginine and tryptophan. This variant is not present in population databases (ExAC no frequency). This variant has not been reported in the literature in individuals affected with ACOX1-related conditions. Algorithms developed to predict the effect of missense changes on protein structure and function (SIFT, PolyPhen-2, Align-GVGD) all suggest that this variant is likely to be tolerated. In summary, the available evidence is currently insufficient to determine the role of this variant in disease. Therefore, it has been classified as a Variant of Uncertain Significance.

NM_004035.7(ACOX1):c.1666A>T (p.Arg556Trp)

Gene: ACOX1 (acyl-CoA oxidase 1; minus strand). Cytogenetic location: 17q25.1.
Variant type: single nucleotide variant.
Coding change: c.1666A>T on transcript NM_004035.7 (MANE Select); coding-DNA position 1666, A replaced by T.
Protein change: p.Arg556Trp; replaces arginine 556 with tryptophan.
Molecular consequence: missense variant.
Genome position (GRCh38, 1-based): chr17:75,949,279, T>A on the plus strand (A>T on the coding strand, the complement: ACOX1 is on the minus strand). VCF-style: chr17-75949279-T-A. GRCh37 (hg19) VCF-style: chr17-73945360-T-A.
Other names: c.1552A>T, p.Arg518Trp (NM_001185039.2); c.1666A>T, p.Arg556Trp (NM_007292.6); short protein forms R518W, R556W.
Identifiers: ClinVar variation 1374997 (VCV001374997.6), dbSNP rs2144235593, ClinGen allele CA401059918.